The following is an entry in ClinVar:

NM_020964.3(EPG5):c.5519-9T>G

Gene: EPG5 (ectopic P-granules 5 autophagy tethering factor; minus strand). Cytogenetic location: 18q12.3.
Variant type: single nucleotide variant.
Coding change: c.5519-9T>G on transcript NM_020964.3 (MANE Select); 9 bases into the intron before coding-DNA position 5519, T replaced by G.
Molecular consequence: intron variant.
Genome position (GRCh38, 1-based): chr18:45,880,232, A>C on the plus strand (T>G on the coding strand, the complement: EPG5 is on the minus strand). VCF-style: chr18-45880232-A-C. GRCh37 (hg19) VCF-style: chr18-43460197-A-C.
Other names: c.5519-9T>G (NM_001410858.1, NM_001410859.1, NM_020964.2).
Identifiers: ClinVar variation 2808399 (VCV002808399.5), dbSNP rs968394366, ClinGen allele CA2641627117.

ClinVar aggregate classification (germline): Likely benign. Review status: criteria provided, single submitter (1 of 4 stars). 2 submissions from 2 submitters: Likely benign (1). 1 of the submissions does not count toward it. Last evaluated 2024-02-11.

Conditions:
EPG5-related disorder. Also called: EPG5-related condition. Identifiers: MedGen CN381528.
Vici syndrome (VICIS). Identifiers: Orphanet 1493, MedGen C1855772, MONDO:0009452, OMIM 242840.

Allele frequency attached by ClinVar (database versions not stated): gnomAD exomes 0.00001.
gnomAD v4.1: 3 of 1,574,622 alleles (0.00019%); highest among the groups gnomAD compares: Non-Finnish European, 0.00026%; no homozygotes.

Submissions (2):

Labcorp Genetics (formerly Invitae), Labcorp
Classification: Likely benign for Vici syndrome. Last evaluated: 2024-02-11. Review status: criteria provided, single submitter. Criteria: Invitae Variant Classification Sherloc (09022015). Collection method: clinical testing. Allele origin: germline.

PreventionGenetics, part of Exact Sciences
Classification: Likely benign for EPG5-related condition. Last evaluated: 2023-04-17. Review status: no assertion criteria provided. Collection method: clinical testing. Allele origin: germline. Not counted in ClinVar's aggregate classification.
Comment: This variant is classified as likely benign based on ACMG/AMP sequence variant interpretation guidelines (Richards et al. 2015 PMID: 25741868, with internal and published modifications).